The following is an entry in ClinVar:

ClinVar aggregate classification (germline): Uncertain significance (1 of 4 stars; one submission).

Allele frequency attached by ClinVar (database versions not stated): TOPMed 0.00001.
gnomAD v4.1: 22 of 1,600,510 alleles (0.0014%); highest among the groups gnomAD compares: Non-Finnish European, 0.0018%; no homozygotes.

Submission:

CeGaT Center for Human Genetics Tuebingen
Classification: Uncertain significance. Last evaluated: 2024-02-01. Review status: criteria provided, single submitter. Criteria: CeGaT Center For Human Genetics Tuebingen Variant Classification Criteria Version 2. Collection method: clinical testing. Allele origin: germline. Affected: yes. Observed: 1 variant allele.
Comment: EIF3F: PM2

NM_003754.3(EIF3F):c.49C>G (p.Pro17Ala)

Gene: EIF3F (eukaryotic translation initiation factor 3 subunit F; plus strand). Cytogenetic location: 11p15.4.
Variant type: single nucleotide variant.
Coding change: c.49C>G on transcript NM_003754.3 (MANE Select); coding-DNA position 49, C replaced by G.
Protein change: p.Pro17Ala; replaces proline 17 with alanine.
Molecular consequence: missense variant.
Genome position (GRCh38, 1-based): chr11:7,987,401, C>G. VCF-style: chr11-7987401-C-G. GRCh37 (hg19) VCF-style: chr11-8008948-C-G.
Other names: short protein forms P17A.
Identifiers: ClinVar variation 3025223 (VCV003025223.22), dbSNP rs750034387, ClinGen allele CA379575944.